The following is an entry in ClinVar:

NM_001378454.1(ALMS1):c.8279C>A (p.Pro2760His)

Gene: ALMS1 (ALMS1 centrosome and basal body associated protein; plus strand). Cytogenetic location: 2p13.1.
Variant type: single nucleotide variant.
Coding change: c.8279C>A on transcript NM_001378454.1 (MANE Select); coding-DNA position 8279, C replaced by A.
Protein change: p.Pro2760His; replaces proline 2760 with histidine.
Molecular consequence: missense variant.
Genome position (GRCh38, 1-based): chr2:73,490,238, C>A. VCF-style: chr2-73490238-C-A. GRCh37 (hg19) VCF-style: chr2-73717365-C-A.
Other names: c.8282C>A, p.Pro2761His (NM_015120.4); short protein forms P2760H, P2761H.
Identifiers: ClinVar variation 3381594 (VCV003381594.3).

ClinVar aggregate classification (germline): Uncertain significance. Review status: criteria provided, multiple submitters, no conflicts (2 of 4 stars). 2 submissions from 2 submitters: Uncertain significance (2). Last evaluated 2025-05-08.

Conditions:
Cardiovascular phenotype. Identifiers: MedGen CN230736.

gnomAD v4.1: 2 of 1,614,074 alleles (0.00012%); highest among the groups gnomAD compares: Non-Finnish European, 0.00017%; no homozygotes.

Submissions (2):

GeneDx
Classification: Uncertain significance. Last evaluated: 2025-05-08. Review status: criteria provided, single submitter. Criteria: GeneDx Variant Classification Process June 2021. Collection method: clinical testing. Allele origin: germline.
Comment: Not observed at significant frequency in large population cohorts (gnomAD); In silico analysis supports that this missense variant has a deleterious effect on protein structure/function; Has not been previously published as pathogenic or benign to our knowledge

Ambry Genetics
Classification: Uncertain significance for Cardiovascular phenotype. Last evaluated: 2024-08-28. Review status: criteria provided, single submitter. Criteria: Ambry Variant Classification Scheme 2023. Collection method: clinical testing. Allele origin: germline.
Comment: The p.P2761H variant (also known as c.8282C>A), located in coding exon 10 of the ALMS1 gene, results from a C to A substitution at nucleotide position 8282. The proline at codon 2761 is replaced by histidine, an amino acid with similar properties. This amino acid position is not well conserved in available vertebrate species. In addition, this alteration is predicted to be tolerated by in silico analysis. Based on the available evidence, the clinical significance of this variant remains unclear.